The following is an entry in ClinVar:

ClinVar aggregate classification (germline): Uncertain significance (1 of 4 stars; one submission).

Submission:

GeneDx
Classification: Uncertain significance. Last evaluated: 2024-01-04. Review status: criteria provided, single submitter. Criteria: GeneDx Variant Classification Process June 2021. Collection method: clinical testing. Allele origin: germline. Affected: yes.
Comment: Not observed at significant frequency in large population cohorts (gnomAD); In silico analysis supports that this missense variant has a deleterious effect on protein structure/function; Has not been previously published as pathogenic or benign to our knowledge

NM_019014.6(POLR1B):c.404G>C (p.Gly135Ala)

Gene: POLR1B (RNA polymerase I subunit B; plus strand). Cytogenetic location: 2q14.1.
Variant type: single nucleotide variant.
Coding change: c.404G>C on transcript NM_019014.6 (MANE Select); coding-DNA position 404, G replaced by C.
Protein change: p.Gly135Ala; replaces glycine 135 with alanine.
Molecular consequence: missense variant. On other transcripts: 5 prime UTR variant (4), intron variant (1).
Genome position (GRCh38, 1-based): chr2:112,547,479, G>C. VCF-style: chr2-112547479-G-C. GRCh37 (hg19) VCF-style: chr2-113305056-G-C.
Other names: c.236G>C, p.Gly79Ala (NM_001137604.3); c.518G>C, p.Gly173Ala (NM_001282772.2); c.404G>C, p.Gly135Ala (NM_001282774.2, NM_001371969.1); c.-14G>C (NM_001282777.2, NM_001282779.2, NM_001371970.1); c.-97G>C (NM_001371971.1); c.-8-3387G>C (NM_001282776.2); short protein forms G135A, G173A, G79A.
Identifiers: ClinVar variation 3367578 (VCV003367578.1).